The following is an entry in ClinVar:

ClinVar aggregate classification (germline): Likely benign. Review status: criteria provided, multiple submitters, no conflicts (2 of 4 stars). 4 submissions from 4 submitters: Likely benign (2). 2 of the submissions do not count toward it. Last evaluated 2026-01-20.

Conditions:
Autosomal recessive polycystic kidney disease (ARPKD). Also called: AR polycystic kidney disease. Identifiers: Orphanet 731, Orphanet 8378, MedGen C0085548, MeSH D017044, MONDO:0009889.
PKHD1-related disorder. Also called: PKHD1-related condition.

Allele frequency attached by ClinVar (database versions not stated): gnomAD 0.00006; TOPMed 0.00007; ESP Exome Variant Server 0.00008; 1000 Genomes Project 30x 0.00047; 1000 Genomes Project 0.00060.
gnomAD v4.1: 45 of 1,613,418 alleles (0.0028%); highest among the groups gnomAD compares: African/African-American, 0.047%; no homozygotes.

Submissions (4):

Labcorp Genetics (formerly Invitae), Labcorp
Classification: Likely benign for Autosomal recessive polycystic kidney disease. Last evaluated: 2026-01-20. Review status: criteria provided, single submitter. Criteria: Invitae Variant Classification Sherloc (09022015). Collection method: clinical testing. Allele origin: germline.

Blueprint Genetics
Classification: Likely benign. Last evaluated: 2021-06-21. Review status: criteria provided, single submitter. Criteria: ACMG Guidelines, 2015. Collection method: clinical testing. Allele origin: germline.

PreventionGenetics, part of Exact Sciences
Classification: Likely benign for PKHD1-related condition. Last evaluated: 2022-12-21. Review status: no assertion criteria provided. Collection method: clinical testing. Allele origin: germline. Not counted in ClinVar's aggregate classification.
Comment: This variant is classified as likely benign based on ACMG/AMP sequence variant interpretation guidelines (Richards et al. 2015 PMID: 25741868, with internal and published modifications).

Natera, Inc.
Classification: Uncertain significance for Autosomal recessive polycystic kidney disease. Last evaluated: 2017-05-10. Review status: no assertion criteria provided. Collection method: clinical testing. Allele origin: germline. Not counted in ClinVar's aggregate classification.

NM_138694.4(PKHD1):c.5772C>T (p.Phe1924=)

Gene: PKHD1 (PKHD1 ciliary IPT domain containing fibrocystin/polyductin; minus strand). Cytogenetic location: 6p12.2.
Variant type: single nucleotide variant.
Coding change: c.5772C>T on transcript NM_138694.4 (MANE Select); coding-DNA position 5772, C replaced by T.
Protein change: p.Phe1924=; no amino-acid change (phenylalanine 1924 retained).
Molecular consequence: synonymous variant.
Genome position (GRCh38, 1-based): chr6:51,960,006, G>A on the plus strand (C>T on the coding strand, the complement: PKHD1 is on the minus strand). VCF-style: chr6-51960006-G-A. GRCh37 (hg19) VCF-style: chr6-51824804-G-A.
Other names: c.5772C>T, p.Phe1924= (NM_170724.3).
Identifiers: ClinVar variation 699138 (VCV000699138.13), dbSNP rs141473212, ClinGen allele CA3852426.